The following is an entry in ClinVar:

ClinVar aggregate classification (germline): Benign. Review status: criteria provided, multiple submitters, no conflicts (2 of 4 stars). 2 submissions from 2 submitters: Benign (2). Last evaluated 2018-06-14.

Allele frequency attached by ClinVar (database versions not stated): gnomAD 0.67885 and 0.67556; gnomAD exomes 0.71348; 1000 Genomes Project 0.58686; 1000 Genomes Project 30x 0.58791; TOPMed 0.64787.
gnomAD v4.1: 1,039,116 of 1,465,730 alleles (71%); highest among the groups gnomAD compares: Non-Finnish European, 73%; 373,119 homozygotes.

Submissions (4):

GeneDx
Classification: Benign. Last evaluated: 2018-06-14. Review status: criteria provided, single submitter. Criteria: GeneDx Variant Classification (06012015). Collection method: clinical testing. Allele origin: germline. Affected: yes.
Comment: This variant is considered likely benign or benign based on one or more of the following criteria: it is a conservative change, it occurs at a poorly conserved position in the protein, it is predicted to be benign by multiple in silico algorithms, and/or has population frequency not consistent with disease.

Breakthrough Genomics
Classification: Benign. Review status: criteria provided, single submitter. Criteria: ACMG Guidelines, 2015. Collection method: not provided. Allele origin: germline. Inheritance: Autosomal dominant inheritance. Affected: yes.

Dr. Peter K. Rogan Lab, Western University
No classification provided (evidence only). Condition: Hepatocellular carcinoma. Review status: no classification provided. Collection method: in vitro. Allele origin: not applicable. Functional consequence: retained intron. Not counted in ClinVar's aggregate classification.

Dr. Peter K. Rogan Lab, Western University
No classification provided (evidence only). Condition: Hepatocellular carcinoma. Review status: no classification provided. Collection method: in vitro. Allele origin: not applicable. Functional consequence: retained intron. Not counted in ClinVar's aggregate classification.

NM_024422.6(DSC2):c.355-102A>C

Gene: DSC2 (desmocollin 2; minus strand). Cytogenetic location: 18q12.1.
Variant type: single nucleotide variant.
Coding change: c.355-102A>C on transcript NM_024422.6 (MANE Select); 102 bases into the intron before coding-DNA position 355, A replaced by C.
Molecular consequence: intron variant.
Genome position (GRCh38, 1-based): chr18:31,091,249, T>G on the plus strand (A>C on the coding strand, the complement: DSC2 is on the minus strand). VCF-style: chr18-31091249-T-G. GRCh37 (hg19) VCF-style: chr18-28671212-T-G.
Other names: NC_000018.9:g.28671212T>G; c.355-102A>C (NM_004949.5).
Identifiers: ClinVar variation 672107 (VCV000672107.3), dbSNP rs1790683, ClinGen allele CA15921364.